The following is an entry in ClinVar:

ClinVar aggregate classification (germline): Pathogenic (1 of 4 stars; one submission).

Conditions:
Familial focal epilepsy with variable foci (FPEVF). Identifiers: Orphanet 98820, MedGen C1858477, MONDO:0020310.

Submission:

Labcorp Genetics (formerly Invitae), Labcorp
Classification: Pathogenic for Familial focal epilepsy with variable foci. Last evaluated: 2020-08-11. Review status: criteria provided, single submitter. Criteria: Invitae Variant Classification Sherloc (09022015). Collection method: clinical testing. Allele origin: germline.
Comment: For these reasons, this variant has been classified as Pathogenic. Donor and acceptor splice site variants typically lead to a loss of protein function (PMID: 16199547), and loss-of-function variants in DEPDC5 are known to be pathogenic (PMID: 23542697, 23542701). Disruption of this splice site has been observed in individual(s) with clinical features of familial focal epilepsy or autosomal dominant nocturnal frontal lobe epilepsy (Invitae). This variant is not present in population databases (ExAC no frequency). This sequence change affects an acceptor splice site in intron 5 of the DEPDC5 gene. It is expected to disrupt RNA splicing and likely results in an absent or disrupted protein product.

Literature cited by the submitters: PubMed 16199547; PubMed 23542697; PubMed 23542701.

NM_001242896.3(DEPDC5):c.280-2A>G

Gene: DEPDC5 (DEP domain containing 5, GATOR1 subcomplex subunit; plus strand). Cytogenetic location: 22q12.2.
Variant type: single nucleotide variant.
Coding change: c.280-2A>G on transcript NM_001242896.3 (MANE Select); the canonical splice acceptor site of the intron before coding-DNA position 280, A replaced by G.
Molecular consequence: splice acceptor variant. On other transcripts: intron variant (2).
Genome position (GRCh38, 1-based): chr22:31,766,583, A>G. VCF-style: chr22-31766583-A-G. GRCh37 (hg19) VCF-style: chr22-32162569-A-G.
Other names: c.280-2A>G (NM_001364318.2, NM_001136029.4, NM_014662.6 and 7 more transcripts); c.279+1523A>G (NM_001369902.1, NM_001369901.1).
Identifiers: ClinVar variation 1073159 (VCV001073159.9), dbSNP rs2148127827, ClinGen allele CA411282195.